The following is an entry in ClinVar:

NM_001365276.2(TNXB):c.9323G>C (p.Gly3108Ala)

Gene: TNXB (tenascin XB; minus strand). Cytogenetic location: 6p21.33.
Variant type: single nucleotide variant.
Coding change: c.9323G>C on transcript NM_001365276.2 (MANE Select); coding-DNA position 9323, G replaced by C.
Protein change: p.Gly3108Ala; replaces glycine 3108 with alanine.
Molecular consequence: missense variant.
Genome position (GRCh38, 1-based): chr6:32,050,114, C>G on the plus strand (G>C on the coding strand, the complement: TNXB is on the minus strand). VCF-style: chr6-32050114-C-G. GRCh37 (hg19) VCF-style: chr6-32017891-C-G.
Other names: c.10064G>C, p.Gly3355Ala (NM_001428335.1); c.9317G>C, p.Gly3106Ala (NM_019105.8); short protein forms G3106A, G3108A, G3355A.
Identifiers: ClinVar variation 3227359 (VCV003227359.2), dbSNP rs1270615839, ClinGen allele CA363540478.
Genomic context (GRCh38, chr6:32,050,114, plus strand): 5'-AGGTTCATCTTGTATTTATGGTCTGGCTCCAGGCCTGAGATGGTGACCCCGTCCTCGTGC[C>G]CCGGCACCCGCACCGCCTTGGGCTGCCCATCCCCATTCCTGTACTGGACCAGGAAGTGGT-3'
Protein context (NP_001352205.1, residues 3098-3118): DGQPKAVRVP[Gly3108Ala]HEDGVTISGL

ClinVar aggregate classification (germline): Uncertain significance. Review status: criteria provided, multiple submitters, no conflicts (2 of 4 stars). 2 submissions from 2 submitters: Uncertain significance (2). Last evaluated 2025-11-28.

Conditions:
Cardiovascular phenotype. Identifiers: MedGen CN230736.

Allele frequency attached by ClinVar (database versions not stated): gnomAD exomes below 0.00001; TOPMed below 0.00001; gnomAD 0.00001.
gnomAD v4.1: 4 of 1,613,642 alleles (0.00025%); highest among the groups gnomAD compares: South Asian, 0.0011%; no homozygotes.

Submissions (2):

Women's Health and Genetics/Laboratory Corporation of America, LabCorp
Classification: Uncertain significance. Last evaluated: 2025-11-28. Review status: criteria provided, single submitter. Criteria: LabCorp Variant Classification Summary - May 2015. Collection method: clinical testing. Allele origin: germline.
Comment: Variant summary: TNXB c.9317G>C (p.Gly3106Ala) results in a non-conservative amino acid change in the encoded protein sequence. Algorithms developed to predict the effect of missense changes on protein structure and function are either unavailable or do not agree on the potential impact of this missense change. The variant allele was found at a frequency of 8.1e-06 in 246420 control chromosomes. The available data on variant occurrences in the general population are insufficient to allow any conclusion about variant significance. To our knowledge, no occurrence of c.9317G>C in individuals affected with TNXB-related conditions and no experimental evidence demonstrating its impact on protein function have been reported. ClinVar contains an entry for this variant (Variation ID: 3227359). Based on the evidence outlined above, the variant was classified as uncertain significance.

Ambry Genetics
Classification: Uncertain significance for Cardiovascular phenotype. Last evaluated: 2023-10-16. Review status: criteria provided, single submitter. Criteria: Ambry Variant Classification Scheme 2023. Collection method: clinical testing. Allele origin: germline.
Comment: The p.G3106A variant (also known as c.9317G>C), located in coding exon 26 of the TNXB gene, results from a G to C substitution at nucleotide position 9317. The glycine at codon 3106 is replaced by alanine, an amino acid with similar properties. This amino acid position is conserved. In addition, this alteration is predicted to be tolerated by in silico analysis. Since supporting evidence is limited at this time, the clinical significance of this alteration remains unclear.